The following is an entry in ClinVar:

ClinVar aggregate classification (germline): Benign. Review status: criteria provided, multiple submitters, no conflicts (2 of 4 stars). 5 submissions from 5 submitters: Benign (3). 2 of the submissions do not count toward it. Last evaluated 2026-02-02.

Conditions:
Epidermolysis bullosa simplex 5B, with muscular dystrophy (EBS5B). Also called: EPIDERMOLYSIS BULLOSA SIMPLEX AND LIMB-GIRDLE MUSCULAR DYSTROPHY; Epidermolysis bullosa simplex with muscular dystrophy. Identifiers: Orphanet 257, MedGen C2931072, MONDO:0009181, OMIM 226670.
Epidermolysis bullosa simplex 5C, with pyloric atresia (EBS5C). Also called: PLEC1-Related Epidermolysis Bullosa with Pyloric Atresia; PLEC-Related Epidermolysis Bullosa with Pyloric Atresia; Epidermolysis bullosa simplex with pyloric atresia. Identifiers: Orphanet 158684, MedGen C2677349, MONDO:0012807, OMIM 612138.
Autosomal recessive limb-girdle muscular dystrophy type 2Q (LGMDR17). Also called: MUSCULAR DYSTROPHY, LIMB-GIRDLE, AUTOSOMAL RECESSIVE 17. Identifiers: Orphanet 254361, MedGen C3150989, MONDO:0013390, OMIM 613723.
Epidermolysis bullosa simplex with nail dystrophy (EBS5D). Identifiers: MedGen C4225309, MONDO:0014661, OMIM 616487.
Epidermolysis bullosa simplex, Ogna type (EBS5A). Also called: Pidermolysis bullosa simplex 5A, Ogna type; EPIDERMOLYSIS BULLOSA SIMPLEX 5A, OGNA TYPE. Identifiers: Orphanet 79401, MedGen C0432317, MONDO:0007555, OMIM 131950.

Allele frequency attached by ClinVar (database versions not stated): gnomAD exomes 0.00536 and 0.01373; ExAC 0.01720; gnomAD 0.05399 and 0.05821; 1000 Genomes Project 0.05451; 1000 Genomes Project 30x 0.05715; ESP Exome Variant Server 0.06122; TOPMed 0.06163.
gnomAD v4.1: 16,298 of 1,603,674 alleles (1%); highest among the groups gnomAD compares: African/African-American, 19%; 1,408 homozygotes.

Submissions 1 to 27 of 42:

Labcorp Genetics (formerly Invitae), Labcorp
Classification: Benign for Autosomal recessive limb-girdle muscular dystrophy type 2Q; Epidermolysis bullosa simplex, Ogna type; Epidermolysis bullosa simplex with nail dystrophy; Epidermolysis bullosa simplex 5C, with pyloric atresia; Epidermolysis bullosa simplex 5B, with muscular dystrophy. Last evaluated: 2026-02-02. Review status: criteria provided, single submitter. Criteria: Invitae Variant Classification Sherloc (09022015). Collection method: clinical testing. Allele origin: germline.

GeneDx
Classification: Benign. Last evaluated: 2016-05-24. Review status: criteria provided, single submitter. Criteria: GeneDx Variant Classification (06012015). Collection method: clinical testing. Allele origin: germline. Affected: yes.
Comment: This variant is considered likely benign or benign based on one or more of the following criteria: it is a conservative change, it occurs at a poorly conserved position in the protein, it is predicted to be benign by multiple in silico algorithms, and/or has population frequency not consistent with disease.

Breakthrough Genomics
Classification: Benign. Review status: criteria provided, single submitter. Criteria: ACMG Guidelines, 2015. Collection method: not provided. Allele origin: germline. Inheritance: Autosomal recessive inheritance. Affected: yes.

Clinical Genetics, Academic Medical Center
Classification: Benign. Review status: no assertion criteria provided. Collection method: clinical testing. Allele origin: germline. Affected: yes. Study: VKGL Data-share Consensus. Not counted in ClinVar's aggregate classification.

Dr. Peter K. Rogan Lab, Western University
No classification provided (evidence only). Condition: Lung cancer. Review status: no classification provided. Collection method: in vitro. Allele origin: not applicable. Functional consequence: skipped exon, retained intron. Not counted in ClinVar's aggregate classification.

Dr. Peter K. Rogan Lab, Western University
No classification provided (evidence only). Condition: Lung cancer. Review status: no classification provided. Collection method: in vitro. Allele origin: not applicable. Functional consequence: retained intron. Not counted in ClinVar's aggregate classification.

Dr. Peter K. Rogan Lab, Western University
No classification provided (evidence only). Condition: Lung cancer. Review status: no classification provided. Collection method: in vitro. Allele origin: not applicable. Functional consequence: retained intron. Not counted in ClinVar's aggregate classification.

Dr. Peter K. Rogan Lab, Western University
No classification provided (evidence only). Condition: Lung cancer. Review status: no classification provided. Collection method: in vitro. Allele origin: not applicable. Functional consequence: skipped exon. Not counted in ClinVar's aggregate classification.

Dr. Peter K. Rogan Lab, Western University
No classification provided (evidence only). Condition: Acute myeloid leukemia. Review status: no classification provided. Collection method: in vitro. Allele origin: not applicable. Functional consequence: retained intron. Not counted in ClinVar's aggregate classification.

Dr. Peter K. Rogan Lab, Western University
No classification provided (evidence only). Condition: Acute myeloid leukemia. Review status: no classification provided. Collection method: in vitro. Allele origin: not applicable. Functional consequence: retained intron. Not counted in ClinVar's aggregate classification.

Dr. Peter K. Rogan Lab, Western University
No classification provided (evidence only). Condition: Acute myeloid leukemia. Review status: no classification provided. Collection method: in vitro. Allele origin: not applicable. Functional consequence: retained intron. Not counted in ClinVar's aggregate classification.

Dr. Peter K. Rogan Lab, Western University
No classification provided (evidence only). Condition: Uterine corpus endometrial carcinoma. Review status: no classification provided. Collection method: in vitro. Allele origin: not applicable. Functional consequence: retained intron. Not counted in ClinVar's aggregate classification.

Dr. Peter K. Rogan Lab, Western University
No classification provided (evidence only). Condition: Uterine corpus endometrial carcinoma. Review status: no classification provided. Collection method: in vitro. Allele origin: not applicable. Functional consequence: retained intron. Not counted in ClinVar's aggregate classification.

Dr. Peter K. Rogan Lab, Western University
No classification provided (evidence only). Condition: Uterine corpus endometrial carcinoma. Review status: no classification provided. Collection method: in vitro. Allele origin: not applicable. Functional consequence: retained intron. Not counted in ClinVar's aggregate classification.

Dr. Peter K. Rogan Lab, Western University
No classification provided (evidence only). Condition: Uterine corpus endometrial carcinoma. Review status: no classification provided. Collection method: in vitro. Allele origin: not applicable. Functional consequence: retained intron. Not counted in ClinVar's aggregate classification.

Dr. Peter K. Rogan Lab, Western University
No classification provided (evidence only). Condition: Uterine corpus endometrial carcinoma. Review status: no classification provided. Collection method: in vitro. Allele origin: not applicable. Functional consequence: skipped exon, retained intron. Not counted in ClinVar's aggregate classification.

Dr. Peter K. Rogan Lab, Western University
No classification provided (evidence only). Condition: Uterine corpus endometrial carcinoma. Review status: no classification provided. Collection method: in vitro. Allele origin: not applicable. Functional consequence: retained intron. Not counted in ClinVar's aggregate classification.

Dr. Peter K. Rogan Lab, Western University
No classification provided (evidence only). Condition: Cervical cancer. Review status: no classification provided. Collection method: in vitro. Allele origin: not applicable. Functional consequence: skipped exon, retained intron. Not counted in ClinVar's aggregate classification.

Dr. Peter K. Rogan Lab, Western University
No classification provided (evidence only). Condition: Cervical cancer. Review status: no classification provided. Collection method: in vitro. Allele origin: not applicable. Functional consequence: retained intron. Not counted in ClinVar's aggregate classification.

Dr. Peter K. Rogan Lab, Western University
No classification provided (evidence only). Condition: Cervical cancer. Review status: no classification provided. Collection method: in vitro. Allele origin: not applicable. Functional consequence: retained intron. Not counted in ClinVar's aggregate classification.

Dr. Peter K. Rogan Lab, Western University
No classification provided (evidence only). Condition: Cervical cancer. Review status: no classification provided. Collection method: in vitro. Allele origin: not applicable. Functional consequence: skipped exon. Not counted in ClinVar's aggregate classification.

Dr. Peter K. Rogan Lab, Western University
No classification provided (evidence only). Condition: Cervical cancer. Review status: no classification provided. Collection method: in vitro. Allele origin: not applicable. Functional consequence: retained intron. Not counted in ClinVar's aggregate classification.

Dr. Peter K. Rogan Lab, Western University
No classification provided (evidence only). Condition: Cervical cancer. Review status: no classification provided. Collection method: in vitro. Allele origin: not applicable. Functional consequence: retained intron. Not counted in ClinVar's aggregate classification.

Dr. Peter K. Rogan Lab, Western University
No classification provided (evidence only). Condition: Cervical cancer. Review status: no classification provided. Collection method: in vitro. Allele origin: not applicable. Functional consequence: retained intron. Not counted in ClinVar's aggregate classification.

Dr. Peter K. Rogan Lab, Western University
No classification provided (evidence only). Condition: Cervical cancer. Review status: no classification provided. Collection method: in vitro. Allele origin: not applicable. Functional consequence: retained intron. Not counted in ClinVar's aggregate classification.

Dr. Peter K. Rogan Lab, Western University
No classification provided (evidence only). Condition: Cervical cancer. Review status: no classification provided. Collection method: in vitro. Allele origin: not applicable. Functional consequence: retained intron. Not counted in ClinVar's aggregate classification.

Dr. Peter K. Rogan Lab, Western University
No classification provided (evidence only). Condition: Cervical cancer. Review status: no classification provided. Collection method: in vitro. Allele origin: not applicable. Functional consequence: skipped exon, retained intron. Not counted in ClinVar's aggregate classification.

NM_201384.3(PLEC):c.265-16C>G

Gene: PLEC (plectin; minus strand). Cytogenetic location: 8q24.3.
Variant type: single nucleotide variant.
Coding change: c.265-16C>G on transcript NM_201384.3 (MANE Select); 16 bases into the intron before coding-DNA position 265, C replaced by G.
Molecular consequence: intron variant.
Genome position (GRCh38, 1-based): chr8:143,937,258, G>C on the plus strand (C>G on the coding strand, the complement: PLEC is on the minus strand). VCF-style: chr8-143937258-G-C. GRCh37 (hg19) VCF-style: chr8-145011426-G-C.
Other names: c.346-16C>G (NM_000445.5); c.223-16C>G (NM_201378.4); c.199-16C>G (NM_201379.3); c.676-16C>G (NM_201380.4); c.169-16C>G (NM_201381.3); c.265-16C>G (NM_201382.4); c.277-16C>G (NM_201383.3).
Identifiers: ClinVar variation 384491 (VCV000384491.13), dbSNP rs11993492, ClinGen allele CA4928513.